The following is an entry in ClinVar:

NM_007294.4(BRCA1):c.4357+2519C>T

Gene: BRCA1 (BRCA1 DNA repair associated; minus strand). Cytogenetic location: 17q21.31.
Variant type: single nucleotide variant.
Coding change: c.4357+2519C>T on transcript NM_007294.4 (MANE Select); 2519 bases into the intron after coding-DNA position 4357, C replaced by T.
Molecular consequence: intron variant.
Genome position (GRCh38, 1-based): chr17:43,079,885, G>A on the plus strand (C>T on the coding strand, the complement: BRCA1 is on the minus strand). VCF-style: chr17-43079885-G-A. GRCh37 (hg19) VCF-style: chr17-41231902-G-A.
Other names: IVS 13+2519C>T; c.4213+2519C>T (NM_001407741.1, NM_001407747.1, NM_001407839.1 and 23 more transcripts); c.970+2519C>T (NM_001408415.1, NM_001408412.1, NM_001408414.1 and 1 more transcripts); c.838+2519C>T (NM_001408483.1, NM_001408481.1, NM_001408480.1 and 6 more transcripts); c.4354+2519C>T (NM_001407634.1, NM_001407610.1, NM_001407613.1 and 18 more transcripts); c.922+2519C>T (NM_001408442.1, NM_001408446.1, NM_001408435.1 and 10 more transcripts); c.925+2519C>T (NM_001408426.1, NM_001408436.1, NM_001408438.1 and 8 more transcripts); c.1045+2519C>T (NM_001407982.1, NM_001408397.1, NM_001407980.1 and 17 more transcripts); and 61 more.
Identifiers: ClinVar variation 209401 (VCV000209401.4), dbSNP rs4793197, ClinGen allele CA276373.

ClinVar aggregate classification (germline): Benign. Review status: reviewed by expert panel (3 of 4 stars). 2 submissions from 2 submitters: Benign (1). 1 of the submissions does not count toward it. Last evaluated 2015-01-12.

Conditions:
Breast-ovarian cancer, familial, susceptibility to, 1 (BROVCA1). Also called: BRCA1 Hereditary Breast and Ovarian Cancer; OVARIAN CANCER, SUSCEPTIBILITY TO. Identifiers: Orphanet 145, MedGen C2676676, MONDO:0011450, OMIM 604370. Disease mechanism: loss of function.

Allele frequency attached by ClinVar (database versions not stated): TOPMed 0.28262; gnomAD 0.29138 and 0.30018; 1000 Genomes Project 30x 0.32901; 1000 Genomes Project 0.33486; gnomAD exomes 0.34991.
gnomAD v4.1: 219,753 of 650,874 alleles (34%); highest among the groups gnomAD compares: South Asian, 50%; 38,793 homozygotes.

Submissions (2):

Evidence-based Network for the Interpretation of Germline Mutant Alleles (ENIGMA)
Classification: Benign for Breast-ovarian cancer, familial 1. Last evaluated: 2015-01-12. Review status: reviewed by expert panel. Criteria: ENIGMA BRCA1/2 Classification Criteria (2015). Collection method: curation. Allele origin: germline.
Comment: Class 1 not pathogenic based on frequency >1% in an outbred sampleset. Frequency 0.3304 (Asian), 0.126 (African), 0.3562 (European), derived from 1000 genomes (2012-04-30).

GeneDx
Classification: Benign. Last evaluated: 2018-06-23. Review status: criteria provided, single submitter. Criteria: GeneDx Variant Classification Process June 2021. Collection method: clinical testing. Allele origin: germline. Affected: yes. Not counted in ClinVar's aggregate classification.